The following is an entry in ClinVar:

NM_001165963.4(SCN1A):c.4501_4502insGAGAAGAA (p.Thr1501fs)

Genes: SCN1A (sodium voltage-gated channel alpha subunit 1; minus strand), LOC102724058 (uncharacterized LOC102724058; plus strand). Cytogenetic location: 2q24.3.
Variant type: Microsatellite.
Coding change: c.4501_4502insGAGAAGAA on transcript NM_001165963.4 (MANE Select); coding-DNA positions 4501 to 4502, GAGAAGAA inserted.
Protein change: p.Thr1501fs; shifts the reading frame from threonine 1501.
Molecular consequence: frameshift variant. On other transcripts: non-coding transcript variant (1).
Genome position: GRCh38 VCF-style: chr2-165996092-G-GTTCTTCTC. GRCh37 (hg19) VCF-style: chr2-166852602-G-GTTCTTCTC.
Other names: c.4468_4469insGAGAAGAA, p.Thr1490fs (NM_001353950.2, NM_001353951.2, NM_001353952.2 and 2 more transcripts); c.4465_4466insGAGAAGAA, p.Thr1489fs (NM_001353954.2, NM_001353955.2); c.4417_4418insGAGAAGAA, p.Thr1473fs (NM_001353957.2, NM_001353958.2, NM_001165964.3); c.4414_4415insGAGAAGAA, p.Thr1472fs (NM_001353960.2); c.4501_4502insGAGAAGAA, p.Thr1501fs (NM_001202435.3, NM_001353948.2); c.2059_2060insGAGAAGAA, p.Thr687fs (NM_001353961.2); short protein forms T1472fs, T1473fs, T1490fs, T1489fs, T1501fs, T687fs.
Identifiers: ClinVar variation 2009996 (VCV002009996.4), dbSNP rs2468377395.

ClinVar aggregate classification (germline): Pathogenic (1 of 4 stars; one submission).

Conditions:
Early-infantile DEE. Also called: Early infantile epileptic encephalopathy; Ohtahara syndrome; Early infantile epileptic encephalopathy with suppression bursts. Identifiers: Orphanet 1934, MedGen C0393706, MONDO:0800491.

Submission:

Labcorp Genetics (formerly Invitae), Labcorp
Classification: Pathogenic for Early-infantile DEE. Last evaluated: 2022-06-23. Review status: criteria provided, single submitter. Criteria: Invitae Variant Classification Sherloc (09022015). Collection method: clinical testing. Allele origin: germline.
Comment: This sequence change creates a premature translational stop signal (p.Thr1501Argfs*14) in the SCN1A gene. It is expected to result in an absent or disrupted protein product. Loss-of-function variants in SCN1A are known to be pathogenic (PMID: 17347258, 18930999). This variant is not present in population databases (gnomAD no frequency). This variant has not been reported in the literature in individuals affected with SCN1A-related conditions. For these reasons, this variant has been classified as Pathogenic.

Literature cited by the submitters: PubMed 17347258; PubMed 18930999.